The following is an entry in ClinVar:

NM_004035.7(ACOX1):c.1037C>T (p.Ala346Val)

Gene: ACOX1 (acyl-CoA oxidase 1; minus strand). Cytogenetic location: 17q25.1.
Variant type: single nucleotide variant.
Coding change: c.1037C>T on transcript NM_004035.7 (MANE Select); coding-DNA position 1037, C replaced by T.
Protein change: p.Ala346Val; replaces alanine 346 with valine.
Molecular consequence: missense variant.
Genome position (GRCh38, 1-based): chr17:75,951,485, G>A on the plus strand (C>T on the coding strand, the complement: ACOX1 is on the minus strand). VCF-style: chr17-75951485-G-A. GRCh37 (hg19) VCF-style: chr17-73947566-G-A.
Other names: c.923C>T, p.Ala308Val (NM_001185039.2); c.1037C>T, p.Ala346Val (NM_007292.6); c.1037C>T (NM_004035.6); short protein forms A308V, A346V.
Identifiers: ClinVar variation 1720736 (VCV001720736.5), dbSNP rs2546076358, ClinGen allele CA401063871.

ClinVar aggregate classification (germline): Uncertain significance. Review status: criteria provided, multiple submitters, no conflicts (2 of 4 stars). 2 submissions from 2 submitters: Uncertain significance (2). Last evaluated 2023-01-11.

Conditions:
Inborn genetic diseases. Identifiers: MedGen C0950123, MeSH D030342.
Acyl-CoA oxidase deficiency. Also called: Pseudoneonatal adrenoleukodystrophy; Peroxisomal acyl-CoA oxidase deficiency; STRAIGHT-CHAIN ACYL-CoA OXIDASE DEFICIENCY. Identifiers: Orphanet 2971, MedGen C1849678, MONDO:0009919, OMIM 264470. Disease mechanism: loss of function.

Allele frequency attached by ClinVar (database versions not stated): gnomAD exomes below 0.00001.
gnomAD v4.1: 1 of 1,614,116 alleles (0.000062%); highest among the groups gnomAD compares: Non-Finnish European, 0.000085%; no homozygotes.

Submissions (2):

Ambry Genetics
Classification: Uncertain significance for Inborn genetic diseases. Last evaluated: 2023-01-11. Review status: criteria provided, single submitter. Criteria: Ambry Variant Classification Scheme 2023. Collection method: clinical testing. Allele origin: germline.

Labcorp Genetics (formerly Invitae), Labcorp
Classification: Uncertain significance for Acyl-CoA oxidase deficiency. Last evaluated: 2022-09-30. Review status: criteria provided, single submitter. Criteria: Invitae Variant Classification Sherloc (09022015). Collection method: clinical testing. Allele origin: germline.
Comment: This sequence change replaces alanine, which is neutral and non-polar, with valine, which is neutral and non-polar, at codon 346 of the ACOX1 protein (p.Ala346Val). In summary, the available evidence is currently insufficient to determine the role of this variant in disease. Therefore, it has been classified as a Variant of Uncertain Significance. Advanced modeling of protein sequence and biophysical properties (such as structural, functional, and spatial information, amino acid conservation, physicochemical variation, residue mobility, and thermodynamic stability) performed at Invitae indicates that this missense variant is not expected to disrupt ACOX1 protein function. This variant has not been reported in the literature in individuals affected with ACOX1-related conditions. This variant is not present in population databases (gnomAD no frequency).